The following is an entry in ClinVar:

NM_000278.5(PAX2):c.482C>T (p.Pro161Leu)

Gene: PAX2 (paired box 2; plus strand). Cytogenetic location: 10q24.31.
Variant type: single nucleotide variant.
Coding change: c.482C>T on transcript NM_000278.5 (MANE Select); coding-DNA position 482, C replaced by T.
Protein change: p.Pro161Leu; replaces proline 161 with leucine.
Molecular consequence: missense variant.
Genome position (GRCh38, 1-based): chr10:100,779,569, C>T. VCF-style: chr10-100779569-C-T. GRCh37 (hg19) VCF-style: chr10-102539326-C-T.
Other names: c.575C>T, p.Pro192Leu (NM_001304569.2); c.482C>T, p.Pro161Leu (NM_003987.5, NM_003988.5, NM_003989.5 and 1 more transcripts); short protein forms P161L, P192L.
Identifiers: ClinVar variation 1468583 (VCV001468583.6), dbSNP rs1403302124, ClinGen allele CA378258384.

ClinVar aggregate classification (germline): Uncertain significance (1 of 4 stars; one submission).

Conditions:
Focal segmental glomerulosclerosis 7 (FSGS7). Identifiers: Orphanet 656, MedGen C4014925, MONDO:0014451, OMIM 616002.
Renal coloboma syndrome (PAPRS). Also called: OPTIC COLOBOMA, VESICOURETERAL REFLUX, AND RENAL ANOMALIES; OPTIC NERVE COLOBOMA WITH RENAL DISEASE; RENAL-COLOBOMA SYNDROME WITH MACULAR ABNORMALITIES; COLOBOMA OF OPTIC NERVE WITH RENAL DISEASE; CONGENITAL ANOMALIES OF THE KIDNEY AND URINARY TRACT WITH OR WITHOUT OCULAR ABNORMALITIES; CAKUT WITH OR WITHOUT OCULAR ABNORMALITIES. Identifiers: Orphanet 1475, MedGen C1852759, MONDO:0007352, OMIM 120330.

Allele frequency attached by ClinVar (database versions not stated): gnomAD 0.00001; TOPMed 0.00001.
gnomAD v4.1: 29 of 1,588,382 alleles (0.0018%); highest among the groups gnomAD compares: Non-Finnish European, 0.0024%; no homozygotes.

Submission:

Labcorp Genetics (formerly Invitae), Labcorp
Classification: Uncertain significance for Renal coloboma syndrome; Focal segmental glomerulosclerosis 7. Last evaluated: 2024-02-24. Review status: criteria provided, single submitter. Criteria: Invitae Variant Classification Sherloc (09022015). Collection method: clinical testing. Allele origin: germline.
Comment: This sequence change replaces proline, which is neutral and non-polar, with leucine, which is neutral and non-polar, at codon 161 of the PAX2 protein (p.Pro161Leu). This variant is not present in population databases (gnomAD no frequency). This variant has not been reported in the literature in individuals affected with PAX2-related conditions. ClinVar contains an entry for this variant (Variation ID: 1468583). Experimental studies and prediction algorithms are not available or were not evaluated, and the functional significance of this variant is currently unknown. In summary, the available evidence is currently insufficient to determine the role of this variant in disease. Therefore, it has been classified as a Variant of Uncertain Significance.